The following is an entry in ClinVar:

NM_001365536.1(SCN9A):c.3488T>C (p.Phe1163Ser)

Genes: SCN1A-AS1 (SCN1A and SCN9A antisense RNA 1; plus strand), SCN9A (sodium voltage-gated channel alpha subunit 9; minus strand). Cytogenetic location: 2q24.3.
Variant type: single nucleotide variant.
Coding change: c.3488T>C on transcript NM_001365536.1 (MANE Select); coding-DNA position 3488, T replaced by C.
Protein change: p.Phe1163Ser; replaces phenylalanine 1163 with serine.
Molecular consequence: missense variant.
Genome position (GRCh38, 1-based): chr2:166,242,641, A>G on the plus strand (T>C on the coding strand, the complement: SCN9A is on the minus strand). VCF-style: chr2-166242641-A-G. GRCh37 (hg19) VCF-style: chr2-167099151-A-G.
Other names: c.3455T>C, p.Phe1152Ser (NM_002977.4); short protein forms F1163S, F1152S.
Identifiers: ClinVar variation 2921659 (VCV002921659.3), dbSNP rs2467869699, ClinGen allele CA349070738.

ClinVar aggregate classification (germline): Uncertain significance (1 of 4 stars; one submission).

Conditions:
Neuropathy, hereditary sensory and autonomic, type 2A (HSAN2A). Also called: ACROOSTEOLYSIS, GIACCAI TYPE; HSAN IIA; MORVAN DISEASE; NEUROPATHY, CONGENITAL SENSORY; NEUROPATHY, HEREDITARY SENSORY RADICULAR, AUTOSOMAL RECESSIVE; NEUROPATHY, HEREDITARY SENSORY, TYPE IIA. Identifiers: Orphanet 970, MedGen C2752089, MONDO:0024309, OMIM 201300.
Generalized epilepsy with febrile seizures plus, type 7 (GEFSP7). Also called: GEFS+, TYPE 7. Identifiers: Orphanet 36387, MedGen C2751778, MONDO:0013470, OMIM 613863.

Submission:

Labcorp Genetics (formerly Invitae), Labcorp
Classification: Uncertain significance for Neuropathy, hereditary sensory and autonomic, type 2A; Generalized epilepsy with febrile seizures plus, type 7. Last evaluated: 2023-12-23. Review status: criteria provided, single submitter. Criteria: Invitae Variant Classification Sherloc (09022015). Collection method: clinical testing. Allele origin: germline.
Comment: This sequence change replaces phenylalanine, which is neutral and non-polar, with serine, which is neutral and polar, at codon 1152 of the SCN9A protein (p.Phe1152Ser). This variant is not present in population databases (gnomAD no frequency). This variant has not been reported in the literature in individuals affected with SCN9A-related conditions. Advanced modeling of protein sequence and biophysical properties (such as structural, functional, and spatial information, amino acid conservation, physicochemical variation, residue mobility, and thermodynamic stability) performed at Invitae indicates that this missense variant is not expected to disrupt SCN9A protein function with a negative predictive value of 95%. In summary, the available evidence is currently insufficient to determine the role of this variant in disease. Therefore, it has been classified as a Variant of Uncertain Significance.